The following is an entry in ClinVar:

NM_005450.6(NOG):c.219C>G (p.His73Gln)

Gene: NOG (noggin; plus strand). Cytogenetic location: 17q22.
Variant type: single nucleotide variant.
Coding change: c.219C>G on transcript NM_005450.6 (MANE Select); coding-DNA position 219, C replaced by G.
Protein change: p.His73Gln; replaces histidine 73 with glutamine.
Molecular consequence: missense variant.
Genome position (GRCh38, 1-based): chr17:56,594,442, C>G. VCF-style: chr17-56594442-C-G. GRCh37 (hg19) VCF-style: chr17-54671803-C-G.
Other names: short protein forms H73Q.
Identifiers: ClinVar variation 1356287 (VCV001356287.7), dbSNP rs746297352, ClinGen allele CA8663155.

ClinVar aggregate classification (germline): Uncertain significance (1 of 4 stars; one submission).

Allele frequency attached by ClinVar (database versions not stated): gnomAD 0.00001; ExAC 0.00002; gnomAD exomes 0.00002; TOPMed 0.00002.

Submission:

Labcorp Genetics (formerly Invitae), Labcorp
Classification: Uncertain significance. Last evaluated: 2025-10-26. Review status: criteria provided, single submitter. Criteria: Invitae Variant Classification Sherloc (09022015). Collection method: clinical testing. Allele origin: germline.
Comment: This sequence change replaces histidine, which is basic and polar, with glutamine, which is neutral and polar, at codon 73 of the NOG protein (p.His73Gln). This variant is present in population databases (rs746297352, gnomAD 0.02%). This variant has not been reported in the literature in individuals affected with NOG-related conditions. ClinVar contains an entry for this variant (Variation ID: 1356287). An algorithm developed to predict the effect of missense changes on protein structure and function (PolyPhen-2) suggests that this variant is likely to be tolerated. In summary, the available evidence is currently insufficient to determine the role of this variant in disease. Therefore, it has been classified as a Variant of Uncertain Significance.